The following is an entry in ClinVar:

ClinVar aggregate classification (germline): Pathogenic (1 of 4 stars; one submission).

Conditions:
Tuberous sclerosis 2 (TSC2). Identifiers: Orphanet 805, MedGen C1860707, MONDO:0013199, OMIM 613254.

Submission:

Labcorp Genetics (formerly Invitae), Labcorp
Classification: Pathogenic for Tuberous sclerosis 2. Last evaluated: 2023-11-24. Review status: criteria provided, single submitter. Criteria: Invitae Variant Classification Sherloc (09022015). Collection method: clinical testing. Allele origin: germline.
Comment: This sequence change creates a premature translational stop signal (p.Lys784Asnfs*45) in the TSC2 gene. It is expected to result in an absent or disrupted protein product. Loss-of-function variants in TSC2 are known to be pathogenic (PMID: 10205261, 17304050). This variant is not present in population databases (gnomAD no frequency). This variant has not been reported in the literature in individuals affected with TSC2-related conditions. For these reasons, this variant has been classified as Pathogenic.

Literature cited by the submitters: PubMed 10205261; PubMed 17304050.

NM_000548.5(TSC2):c.2349del (p.Lys784fs)

Gene: TSC2 (TSC complex subunit 2; plus strand). Cytogenetic location: 16p13.3.
Variant type: Deletion.
Coding change: c.2349del on transcript NM_000548.5 (MANE Select); coding-DNA position 2349, one base deleted (C; older notation c.2349delC).
Protein change: p.Lys784fs; shifts the reading frame from lysine 784.
Molecular consequence: frameshift variant. On other transcripts: non-coding transcript variant (5).
Genome position (GRCh38, 1-based): chr16:2,072,977, C deleted; the last of 2 consecutive C bases (chr16:2,072,976-2,072,977); deleting either gives the same sequence. VCF-style (leftmost placement, unchanged base first): chr16-2072975-AC-A. GRCh37 (hg19) VCF-style: chr16-2122976-AC-A.
Other names: c.1749del, p.Lys584fs (NM_001406682.1, NM_001406683.1, NM_001406684.1 and 6 more transcripts); c.1005del, p.Lys336fs (NM_001406689.1, NM_001406690.1, NM_001406691.1 and 6 more transcripts); c.747del, p.Lys250fs (NM_001406698.1); c.2349del, p.Lys784fs (NM_021055.3, NM_001077183.3, NM_001114382.3 and 6 more transcripts); c.2238del, p.Lys747fs (NM_001318827.2, NM_001406670.1, NM_001406678.1); c.2202del, p.Lys735fs (NM_001318829.2, NM_001406675.1, NM_001406676.1 and 1 more transcripts); c.2382del, p.Lys795fs (NM_001318832.2); c.2439del, p.Lys814fs (NM_001406667.1, NM_001406668.1); and 3 more; short protein forms K250fs, K747fs, K584fs, K784fs, K336fs, K630fs, K765fs, K780fs.
Identifiers: ClinVar variation 2698726 (VCV002698726.3), dbSNP rs2543770057, ClinGen allele CA2697549489.